The following is an entry in ClinVar:

NM_001256071.3(RNF213):c.716A>T (p.Gln239Leu)

Gene: RNF213 (ring finger protein 213; plus strand). Cytogenetic location: 17q25.3.
Variant type: single nucleotide variant.
Coding change: c.716A>T on transcript NM_001256071.3 (MANE Select); coding-DNA position 716, A replaced by T.
Protein change: p.Gln239Leu; replaces glutamine 239 with leucine.
Molecular consequence: missense variant.
Genome position (GRCh38, 1-based): chr17:80,288,269, A>T. VCF-style: chr17-80288269-A-T. GRCh37 (hg19) VCF-style: chr17-78262068-A-T.
Other names: c.863A>T, p.Gln288Leu (NM_001410195.1, NM_020914.5); c.716A>T, p.Gln239Leu (NM_020954.4); short protein forms Q239L, Q288L.
Identifiers: ClinVar variation 2700121 (VCV002700121.3), dbSNP rs1314798285, ClinGen allele CA401367929.

ClinVar aggregate classification (germline): Uncertain significance (1 of 4 stars; one submission).

Submission:

Labcorp Genetics (formerly Invitae), Labcorp
Classification: Uncertain significance. Last evaluated: 2023-12-01. Review status: criteria provided, single submitter. Criteria: Invitae Variant Classification Sherloc (09022015). Collection method: clinical testing. Allele origin: germline.
Comment: This sequence change replaces glutamine, which is neutral and polar, with leucine, which is neutral and non-polar, at codon 239 of the RNF213 protein (p.Gln239Leu). This variant is not present in population databases (gnomAD no frequency). This variant has not been reported in the literature in individuals affected with RNF213-related conditions. Advanced modeling of protein sequence and biophysical properties (such as structural, functional, and spatial information, amino acid conservation, physicochemical variation, residue mobility, and thermodynamic stability) performed at Invitae indicates that this missense variant is not expected to disrupt RNF213 protein function with a negative predictive value of 95%. In summary, the available evidence is currently insufficient to determine the role of this variant in disease. Therefore, it has been classified as a Variant of Uncertain Significance.